The following is an entry in ClinVar:

ClinVar aggregate classification (germline): Uncertain significance (1 of 4 stars; one submission).

Conditions:
Shukla-Vernon syndrome. Identifiers: MedGen C5193146, MONDO:0026727, OMIM 301029.

Submission:

Dasa
Classification: Uncertain significance for Shukla-Vernon syndrome. Last evaluated: 2026-02-15. Review status: criteria provided, single submitter. Criteria: DASA Assertion Criteria. Collection method: clinical testing. Allele origin: germline.
Comment: NM_001379451.1(BCORL1):c.4357C>G (p.Pro1453Ala) is a missense variant that results in the substitution of proline with alanine. This variant is rare in population databases. Computational prediction algorithms are consistent with a benign effect. The currently available literature and clinical evidence are not sufficient to establish a definitive association between this variant and the reported condition. Therefore, this variant is classified as a variant of uncertain significance.

NM_001379451.1(BCORL1):c.4357C>G (p.Pro1453Ala)

Gene: BCORL1 (BCL6 corepressor like 1; plus strand). Cytogenetic location: Xq26.1.
Variant type: single nucleotide variant.
Coding change: c.4357C>G on transcript NM_001379451.1 (MANE Select); coding-DNA position 4357, C replaced by G.
Protein change: p.Pro1453Ala; replaces proline 1453 with alanine.
Molecular consequence: missense variant. On other transcripts: intron variant (1).
Genome position (GRCh38, 1-based): chrX:130,034,506, C>G. VCF-style: chrX-130034506-C-G. GRCh37 (hg19) VCF-style: chrX-129168481-C-G.
Other names: c.4357C>G, p.Pro1453Ala (NM_001184772.3, NM_001379450.1, NM_001441326.1 and 2 more transcripts); c.3967C>G, p.Pro1323Ala (NM_001441329.1, NM_001441330.1, NM_001441331.1 and 1 more transcripts); c.4306-2861C>G (NM_021946.5); short protein forms P1323A, P1453A.
Identifiers: ClinVar variation 4882370 (VCV004882370.2).